The following is an entry in ClinVar:

ClinVar aggregate classification (germline): Likely benign (1 of 4 stars; one submission).

Conditions:
ADCY3-related disorder. Also called: ADCY3-related condition.

gnomAD v4.1: 6 of 1,613,620 alleles (0.00037%); highest among the groups gnomAD compares: African/African-American, 0.008%; no homozygotes.

Submission:

PreventionGenetics, part of Exact Sciences
Classification: Likely benign for ADCY3-related condition. Last evaluated: 2025-08-17. Review status: criteria provided, single submitter. Criteria: ACMG Guidelines, 2015. Collection method: clinical testing. Allele origin: germline.
Comment: This variant is classified as likely benign based on ACMG/AMP sequence variant interpretation guidelines (Richards et al. 2015 PMID: 25741868, with internal and published modifications).

NM_004036.5(ADCY3):c.825+7C>T

Gene: ADCY3 (adenylate cyclase 3; minus strand). Cytogenetic location: 2p23.3.
Variant type: single nucleotide variant.
Coding change: c.825+7C>T on transcript NM_004036.5 (MANE Select); 7 bases into the intron after coding-DNA position 825, C replaced by T.
Molecular consequence: intron variant.
Genome position (GRCh38, 1-based): chr2:24,872,563, G>A on the plus strand (C>T on the coding strand, the complement: ADCY3 is on the minus strand). VCF-style: chr2-24872563-G-A. GRCh37 (hg19) VCF-style: chr2-25095432-G-A.
Other names: c.825+7C>T (NM_001377130.1, NM_001377129.1, NM_001320613.2 and 2 more transcripts); c.102+7C>T (NM_001377131.1).
Identifiers: ClinVar variation 4981620 (VCV004981620.1).